The following is an entry in ClinVar:

NM_001709.5(BDNF):c.272C>T (p.Thr91Met)

Genes: BDNF (brain derived neurotrophic factor; minus strand), BDNF-AS (BDNF antisense RNA; plus strand). Cytogenetic location: 11p14.1.
Variant type: single nucleotide variant.
Coding change: c.272C>T on transcript NM_001709.5 (MANE Select); coding-DNA position 272, C replaced by T.
Protein change: p.Thr91Met; replaces threonine 91 with methionine.
Molecular consequence: missense variant. On other transcripts: non-coding transcript variant (5).
Genome position (GRCh38, 1-based): chr11:27,658,293, G>A on the plus strand (C>T on the coding strand, the complement: BDNF is on the minus strand). VCF-style: chr11-27658293-G-A. GRCh37 (hg19) VCF-style: chr11-27679840-G-A.
Other names: c.272C>T, p.Thr91Met (NM_001143805.1, NM_001143806.1, NM_001143807.2 and 9 more transcripts); c.359C>T, p.Thr120Met (NM_001143809.2); c.518C>T, p.Thr173Met (NM_001143810.2); c.296C>T, p.Thr99Met (NM_170731.5); c.317C>T, p.Thr106Met (NM_170734.4); short protein forms T99M, T120M, T173M, T106M, T91M.
Identifiers: ClinVar variation 4980317 (VCV004980317.1).

ClinVar aggregate classification (germline): Uncertain significance (1 of 4 stars; one submission).

Conditions:
BDNF-related disorder. Also called: BDNF-related condition.

Submission:

PreventionGenetics, part of Exact Sciences
Classification: Uncertain significance for BDNF-related condition. Last evaluated: 2026-02-25. Review status: criteria provided, single submitter. Criteria: ACMG Guidelines, 2015. Collection method: clinical testing. Allele origin: germline.
Comment: The BDNF c.518C>T variant is predicted to result in the amino acid substitution p.Thr173Met. To our knowledge, this variant has not been reported in the literature. This variant is reported in 0.026% of alleles in individuals of Latino descent in gnomAD. At this time, the clinical significance of this variant is uncertain due to the absence of conclusive functional and genetic evidence.